The following is an entry in ClinVar:

ClinVar aggregate classification (germline): Benign (1 of 4 stars; one submission).

Submission:

GeneDx
Classification: Benign. Last evaluated: 2018-06-18. Review status: criteria provided, single submitter. Criteria: GeneDx Variant Classification (06012015). Collection method: clinical testing. Allele origin: germline. Affected: yes.
Comment: This variant is considered likely benign or benign based on one or more of the following criteria: it is a conservative change, it occurs at a poorly conserved position in the protein, it is predicted to be benign by multiple in silico algorithms, and/or has population frequency not consistent with disease.

NM_005633.4(SOS1):c.345+259_345+262del

Gene: SOS1 (SOS Ras/Rac guanine nucleotide exchange factor 1; minus strand). Cytogenetic location: 2p22.1.
Variant type: Deletion.
Coding change: c.345+259_345+262del on transcript NM_005633.4 (MANE Select); bases 259 to 262 of the intron after coding-DNA position 345, 4 bases deleted (GTTT; older notation c.345+259_345+262delGTTT).
Molecular consequence: intron variant.
Genome position (GRCh38, 1-based): chr2:39,058,411-39,058,414, AAAC deleted on the plus strand (GTTT on the coding strand, the reverse complement: SOS1 is on the minus strand); deleting any 4 consecutive bases within chr2:39,058,411-39,058,417 gives the same sequence; the c. name uses the placement nearest the transcript's 3' end. VCF-style (leftmost placement, unchanged base first): chr2-39058410-TAAAC-T. GRCh37 (hg19) VCF-style: chr2-39285551-TAAAC-T.
Other names: c.324+259_324+262del (NM_001382394.1); c.345+259_345+262del (NM_001382395.1); c.345+259_345+262delGTTT (NM_005633.3).
Identifiers: ClinVar variation 561824 (VCV000561824.1), dbSNP rs148203100, ClinGen allele CA46013723.